The following is an entry in ClinVar:

ClinVar aggregate classification (germline): Benign. Review status: reviewed by expert panel (3 of 4 stars). 11 submissions from 10 submitters: Benign (1). 10 of the submissions do not count toward it. Last evaluated 2019-11-04.

Conditions:
Noonan syndrome and Noonan-related syndrome. Identifiers: Orphanet 98733, MedGen C5681679, MONDO:0020297.
SOS1-related disorder. Also called: SOS1-related condition.
RASopathy. Also called: rasopathies; Noonan spectrum disorder. Identifiers: Orphanet 536391, MedGen C5555857, MONDO:0021060.
Noonan syndrome 4 (NS4). Also called: SOS1-Related Noonan Syndrome; NOONAN SYNDROME WITH PIGMENTED VILLONODULAR SYNOVITIS. Identifiers: Orphanet 648, MedGen C1853120, MONDO:0012547, OMIM 610733.
Fibromatosis, gingival, 1 (GINGF1). Identifiers: Orphanet 2024, MedGen C4551558, MONDO:0007609, OMIM 135300.

Allele frequency attached by ClinVar (database versions not stated): 1000 Genomes Project 30x 0.00016; gnomAD 0.00017 and 0.00018; gnomAD exomes 0.00018 and 0.00025; 1000 Genomes Project 0.00020; ExAC 0.00023; TOPMed 0.00025; ESP Exome Variant Server 0.00038.
gnomAD v4.1: 292 of 1,613,654 alleles (0.018%); highest among the groups gnomAD compares: Admixed American, 0.068%; no homozygotes.

Submissions (11):

ClinGen RASopathy Variant Curation Expert Panel
Classification: Benign for RASopathy. Last evaluated: 2019-11-04. Review status: reviewed by expert panel. Criteria: ClinGen RASopathy ACMG Specifications v1. Collection method: curation. Allele origin: germline. Inheritance: Autosomal dominant inheritance.
Comment: The c.*4C>T variant in SOS1 is classified as benign because it has been identified in 0.05383% (95% CI of 27/35402) of Latino alleles in gnomAD (BA1). It does not alter an amino acid residue, is not located within the splice consensus site, and computational splice prediction tools do not predict an impact on splicing (BP4, BP7). ACMG/AMP Criteria applied: BA1, BP4, BP7.

Blueprint Genetics
Classification: Likely benign. Last evaluated: 2024-11-08. Review status: criteria provided, single submitter. Criteria: ACMG Guidelines, 2015. Collection method: clinical testing. Allele origin: germline. Not counted in ClinVar's aggregate classification.

CeGaT Center for Human Genetics Tuebingen
Classification: Likely benign. Last evaluated: 2022-11-01. Review status: criteria provided, single submitter. Criteria: CeGaT Center For Human Genetics Tuebingen Variant Classification Criteria Version 2. Collection method: clinical testing. Allele origin: germline. Affected: yes. Observed: 1 variant allele. Not counted in ClinVar's aggregate classification.
Comment: SOS1: BS1

Genome Diagnostics Laboratory, The Hospital for Sick Children
Classification: Uncertain significance for Noonan syndrome and Noonan-related syndrome. Last evaluated: 2020-03-01. Review status: criteria provided, single submitter. Criteria: ACMG Guidelines, 2015. Collection method: clinical testing. Allele origin: germline. Not counted in ClinVar's aggregate classification.

Women's Health and Genetics/Laboratory Corporation of America, LabCorp
Classification: Benign. Last evaluated: 2019-01-14. Review status: criteria provided, single submitter. Criteria: LabCorp Variant Classification Summary - May 2015. Collection method: clinical testing. Allele origin: germline. Not counted in ClinVar's aggregate classification.
Comment: Variant summary: SOS1 c.*4C>T is located in the untranslated mRNA region downstream of the termination codon. The variant allele was found at a frequency of 0.00024 in 245876 control chromosomes. The observed variant frequency is approximately 8 fold of the estimated maximal expected allele frequency for a pathogenic variant in SOS1 causing Noonan Syndrome and Related Conditions phenotype (3e-05), strongly suggesting that the variant is benign. To our knowledge, no occurrence of c.*4C>T in individuals affected with Noonan Syndrome and Related Conditions and no experimental evidence demonstrating its impact on protein function have been reported. Three clinical diagnostic laboratories have submitted clinical-significance assessments for this variant to ClinVar after 2014 without evidence for independent evaluation, two classified as VUS while one classified as benign. Based on the evidence outlined above, the variant was classified as benign.

Illumina Laboratory Services, Illumina
Classification: Uncertain significance for Noonan syndrome 4. Last evaluated: 2018-01-13. Review status: criteria provided, single submitter. Criteria: ICSL Variant Classification Criteria 13 December 2019. Collection method: clinical testing. Allele origin: germline. Not counted in ClinVar's aggregate classification.

Illumina Laboratory Services, Illumina
Classification: Benign for Fibromatosis, gingival, 1. Last evaluated: 2018-01-13. Review status: criteria provided, single submitter. Criteria: ICSL Variant Classification Criteria 13 December 2019. Collection method: clinical testing. Allele origin: germline. Not counted in ClinVar's aggregate classification.
Comment: This variant was observed in the ICSL laboratory as part of a predisposition screen in an ostensibly healthy population. It had not been previously curated by ICSL or reported in the Human Gene Mutation Database (HGMD: prior to June 1st, 2018), and was therefore a candidate for classification through an automated scoring system. Utilizing variant allele frequency, disease prevalence and penetrance estimates, and inheritance mode, an automated score was calculated to assess if this variant is too frequent to cause the disease. Based on the score and internal cut-off values, a variant classified as benign is not then subjected to further curation. The score for this variant resulted in a classification of benign for this disease.

Eurofins Ntd Llc (ga)
Classification: Uncertain significance. Last evaluated: 2017-07-20. Review status: criteria provided, single submitter. Criteria: EGL Classification Definitions 2015. Collection method: clinical testing. Allele origin: germline. Observed: 1 variant allele, 1 heterozygote. Not counted in ClinVar's aggregate classification.

GeneDx
Classification: Benign. Last evaluated: 2014-02-17. Review status: criteria provided, single submitter. Criteria: GeneDx Variant Classification (06012015). Collection method: clinical testing. Allele origin: germline. Affected: yes. Not counted in ClinVar's aggregate classification.
Comment: This variant is considered likely benign or benign based on one or more of the following criteria: it is a conservative change, it occurs at a poorly conserved position in the protein, it is predicted to be benign by multiple in silico algorithms, and/or has population frequency not consistent with disease.

Laboratory for Molecular Medicine, Mass General Brigham Personalized Medicine
Classification: Uncertain significance. Last evaluated: 2011-02-22. Review status: criteria provided, single submitter. Criteria: LMM Criteria. Collection method: clinical testing. Allele origin: germline. Observed: 1 variant allele. Not counted in ClinVar's aggregate classification.
Comment: The 4002+4C>T variant has not been previously reported in the literature or been identified in our laboratory. This variant occurs in the 3' UTR. The 3'UTR cont ains regulatory elements essential for the regulation and transport of the mRNA transcript, and variants in this region could result in dysregulation or disrupt ion of these functions. However, without evidence of such a role or additional i nformation, the clinical significance of this variant cannot be determined at th is time.

PreventionGenetics, part of Exact Sciences
Classification: Likely benign for SOS1-related condition. Last evaluated: 2020-09-22. Review status: no assertion criteria provided. Collection method: clinical testing. Allele origin: germline. Not counted in ClinVar's aggregate classification.
Comment: This variant is classified as likely benign based on ACMG/AMP sequence variant interpretation guidelines (Richards et al. 2015 PMID: 25741868, with internal and published modifications).

NM_005633.4(SOS1):c.*4C>T

Gene: SOS1 (SOS Ras/Rac guanine nucleotide exchange factor 1; minus strand). Cytogenetic location: 2p22.1.
Variant type: single nucleotide variant.
Coding change: c.*4C>T on transcript NM_005633.4 (MANE Select); 4 bases downstream of the stop codon, C replaced by T.
Molecular consequence: 3 prime UTR variant.
Genome position (GRCh38, 1-based): chr2:38,985,820, G>A on the plus strand (C>T on the coding strand, the complement: SOS1 is on the minus strand). VCF-style: chr2-38985820-G-A. GRCh37 (hg19) VCF-style: chr2-39212961-G-A.
Other names: c.*4C>T (NM_005633.3, NM_001382394.1, NM_001382395.1).
Identifiers: ClinVar variation 177950 (VCV000177950.46), dbSNP rs188849286, ClinGen allele CA181051.
Genomic context (GRCh38, chr2:38,985,820, plus strand): 5'-CAGTGCATCCATTGCCAGCAATGGATTTGGGGCTAGGAAAATATACATCCCAGTACAGAG[G>A]AACTCAGGAAGAATGGGCATTCTCCAACAGTGGTGGTCCATCTCTGTGCATGGATGGGTG-3'